The following is an entry in ClinVar:

NM_001367916.1(MAGT1):c.348dup (p.Ala117fs)

Gene: MAGT1 (magnesium transporter 1; minus strand). Cytogenetic location: Xq21.1.
Variant type: Duplication.
Coding change: c.348dup on transcript NM_001367916.1 (MANE Select); coding-DNA position 348, one base duplicated (T; older notation c.348dupT).
Protein change: p.Ala117fs; shifts the reading frame from alanine 117.
Molecular consequence: frameshift variant.
Genome position (GRCh38, 1-based): chrX:77,870,850, A duplicated on the plus strand (T on the coding strand, the reverse complement: MAGT1 is on the minus strand); the first of 6 consecutive A bases (chrX:77,870,850-77,870,855); duplicating any one gives the same sequence. VCF-style (leftmost placement, unchanged base first): chrX-77870849-C-CA. GRCh37 (hg19) VCF-style: chrX-77126346-C-CA.
Other names: c.444dup, p.Ala149fs (LRG_353t1, NM_032121.5); c.444dupT (NM_032121.5); short protein forms A149fs, A117fs.
Identifiers: ClinVar variation 578831 (VCV000578831.8), dbSNP rs1569548146, ClinGen allele CA891844122.

ClinVar aggregate classification (germline): Pathogenic (1 of 4 stars; one submission).

Conditions:
X-linked immunodeficiency with magnesium defect, Epstein-Barr virus infection and neoplasia. Identifiers: Orphanet 317476, MedGen C3275445, MONDO:0010455, OMIM 300853.

Submission:

Labcorp Genetics (formerly Invitae), Labcorp
Classification: Pathogenic for X-linked immunodeficiency with magnesium defect, Epstein-Barr virus infection and neoplasia. Last evaluated: 2018-05-18. Review status: criteria provided, single submitter. Criteria: Invitae Variant Classification Sherloc (09022015). Collection method: clinical testing. Allele origin: germline.
Comment: For these reasons, this variant has been classified as Pathogenic. Loss-of-function variants in MAGT1 are known to be pathogenic (PMID: 24550228). This variant has not been reported in the literature in individuals with MAGT1-related disease. This variant is not present in population databases (ExAC no frequency). This sequence change creates a premature translational stop signal (p.Ala149Cysfs*6) in the MAGT1 gene. It is expected to result in an absent or disrupted protein product.

Literature cited by the submitters: PubMed 24550228.